The following is an entry in ClinVar:

NM_000110.4(DPYD):c.1218G>A (p.Met406Ile)

Gene: DPYD (dihydropyrimidine dehydrogenase; minus strand). Cytogenetic location: 1p21.3.
Variant type: single nucleotide variant.
Coding change: c.1218G>A on transcript NM_000110.4 (MANE Select); coding-DNA position 1218, G replaced by A.
Protein change: p.Met406Ile; replaces methionine 406 with isoleucine.
Molecular consequence: missense variant.
Genome position (GRCh38, 1-based): chr1:97,573,881, C>T on the plus strand (G>A on the coding strand, the complement: DPYD is on the minus strand). VCF-style: chr1-97573881-C-T. GRCh37 (hg19) VCF-style: chr1-98039437-C-T.
Other names: short protein forms M406I.
Identifiers: ClinVar variation 100101 (VCV000100101.13), dbSNP rs61622928, ClinGen allele CA228141.

ClinVar aggregate classification (germline): Conflicting classifications of pathogenicity. Review status: criteria provided, conflicting classifications (1 of 4 stars). 6 submissions from 6 submitters: Uncertain significance (1); Benign (4). 1 of the submissions does not count toward it. Last evaluated 2021-02-22.

Conditions:
Dihydropyrimidine dehydrogenase deficiency (DPYDD). Also called: DPD DEFICIENCY; DPYD DEFICIENCY; Hereditary Thymine-Uraciluria. Identifiers: Orphanet 1675, MedGen C1959620, MONDO:0010130, OMIM 274270.

Allele frequency attached by ClinVar (database versions not stated): ESP Exome Variant Server 0.01984; gnomAD 0.02059 and 0.02183; 1000 Genomes Project 0.02117; 1000 Genomes Project 30x 0.02233; TOPMed 0.02285; gnomAD exomes 0.00205 and 0.00501; ExAC 0.00605.
gnomAD v4.1: 6,339 of 1,613,662 alleles (0.39%); highest among the groups gnomAD compares: African/African-American, 7.1%; 185 homozygotes.

Submissions (6):

Women's Health and Genetics/Laboratory Corporation of America, LabCorp
Classification: Benign. Last evaluated: 2021-02-22. Review status: criteria provided, single submitter. Criteria: LabCorp Variant Classification Summary - May 2015. Collection method: clinical testing. Allele origin: germline.
Comment: Variant summary: DPYD c.1218G>A (p.Met406Ile) results in a conservative amino acid change located in the FAD/NAD(P)-binding domain (IPR023753) of the encoded protein sequence. Four of five in-silico tools predict a benign effect of the variant on protein function. The variant allele was found at a frequency of 0.005 in 251118 control chromosomes, predominantly at a frequency of 0.065 within the African or African-American subpopulation in the gnomAD database, including 29 homozygotes. The observed variant frequency within African or African-American control individuals in the gnomAD database is approximately 26 fold of the estimated maximal expected allele frequency for a pathogenic variant in DPYD causing Dihydropyrimidine Dehydrogenase Deficiency phenotype (0.0025), strongly suggesting that the variant is a benign polymorphism found primarily in populations of African or African-American origin. To our knowledge, no occurrence of c.1218G>A in individuals affected with Dihydropyrimidine Dehydrogenase Deficiency has been reported. At least one publication reports experimental evidence evaluating an impact on protein function. These results showed no damaging effect of this variant on DPYD enzyme activity (example, Offer_2014, subsequently cited by Hishinuma_2020). Three clinical diagnostic laboratories have submitted clinical-significance assessments for this variant to ClinVar after 2014 without evidence for independent evaluation (Benign, n=2). Based on the evidence outlined above, the variant was classified as benign.

Labcorp Genetics (formerly Invitae), Labcorp
Classification: Benign. Last evaluated: 2019-12-31. Review status: criteria provided, single submitter. Criteria: Invitae Variant Classification Sherloc (09022015). Collection method: clinical testing. Allele origin: germline.

GeneDx
Classification: Benign. Last evaluated: 2018-07-05. Review status: criteria provided, single submitter. Criteria: GeneDx Variant Classification Process June 2021. Collection method: clinical testing. Allele origin: germline. Affected: yes.

Athena Diagnostics
Classification: Benign. Last evaluated: 2017-09-08. Review status: criteria provided, single submitter. Criteria: Athena Diagnostics Criteria. Collection method: clinical testing. Allele origin: germline.

Illumina Laboratory Services, Illumina
Classification: Uncertain significance for Dihydropyrimidine dehydrogenase deficiency. Last evaluated: 2017-04-27. Review status: criteria provided, single submitter. Criteria: ICSL Variant Classification Criteria 13 December 2019. Collection method: clinical testing. Allele origin: germline.
Comment: This variant was observed as part of a predisposition screen in an ostensibly healthy population. A literature search was performed for the gene, cDNA change, and amino acid change (where applicable). Publications were found based on this search. However, the evidence from the literature, in combination with allele frequency data from public databases where available, was not sufficient to rule this variant in or out of causing disease. Therefore, this variant is classified as a variant of unknown significance.

Diasio Lab,  Mayo Clinic
No classification provided. Review status: no classification provided. Collection method: not provided. Allele origin: unknown. Not counted in ClinVar's aggregate classification.

Literature cited by the submitters: PubMed 24648345 (cited by Women's Health and Genetics/Laboratory Corporation of America, LabCorp); PubMed 32707991 (cited by Women's Health and Genetics/Laboratory Corporation of America, LabCorp); PubMed 16115930 (cited by Athena Diagnostics and Illumina Laboratory Services, Illumina); PubMed 27454530 (cited by Athena Diagnostics); PubMed 23960437 (cited by Athena Diagnostics); PubMed 16719540 (cited by Athena Diagnostics); PubMed 21833589 (cited by Athena Diagnostics); PubMed 16361556 (cited by Illumina Laboratory Services, Illumina); PubMed 23588312 (cited by Illumina Laboratory Services, Illumina).